The following is an entry in ClinVar:

NM_000565.4(IL6R):c.949+1320dup

Gene: IL6R (interleukin 6 receptor; plus strand). Cytogenetic location: 1q21.3.
Variant type: Duplication.
Coding change: c.949+1320dup on transcript NM_000565.4 (MANE Select); 1320 bases into the intron after coding-DNA position 949, one base duplicated (T; older notation c.949+1320dupT).
Molecular consequence: intron variant.
Genome position (GRCh38, 1-based): chr1:154,437,430, T duplicated; the last of 13 consecutive T bases (chr1:154,437,418-154,437,430); duplicating any one gives the same sequence. VCF-style (leftmost placement, unchanged base first): chr1-154437417-A-AT. GRCh37 (hg19) VCF-style: chr1-154409893-A-AT.
Other names: c.949+1320dup (NM_001382771.1, NM_001382773.1, NM_001382770.1 and 2 more transcripts); c.943+1320dup (NM_001382772.1); c.589+1320dup (NM_001382774.1); c.950-5dup (NM_001206866.2); c.950-5dupT (NM_001206866.1).
Identifiers: ClinVar variation 2688363 (VCV002688363.4), dbSNP rs71586015, ClinGen allele CA1129185.
Genomic context (GRCh38, chr1:154,437,417, plus strand): 5'-AAAGTGCTGGGATTATAGGCATGAGTCACTGTGCCCGGTCGGAAATTTTTTTTAACTTAA[A>AT]TTTTTTTTTTTTTGAAGACAGGCTTTCTCCTCGTTGCCCAGGATGGAGTACAGCAGTGCA-3'

ClinVar aggregate classification (germline): Benign. Review status: criteria provided, single submitter (1 of 4 stars). 2 submissions from 2 submitters: Benign (1). 1 of the submissions does not count toward it. Last evaluated 2024-01-24.

Conditions:
IL6R-related disorder. Also called: IL6R-related condition.

Submissions (2):

Unidad de Genómica Garrahan, Hospital de Pediatría Garrahan
Classification: Benign. Last evaluated: 2024-01-24. Review status: criteria provided, single submitter. Criteria: ACMG Guidelines, 2015. Collection method: clinical testing. Allele origin: germline. Affected: no. Observed: 68 variant alleles.
Comment: This variant is classified as Benign based on local population frequency. This variant was detected in 77% of patients studied by a panel of primary immunodeficiencies. Number of patients: 68. Only high quality variants are reported.

PreventionGenetics, part of Exact Sciences
Classification: Benign for IL6R-related condition. Last evaluated: 2024-01-10. Review status: no assertion criteria provided. Collection method: clinical testing. Allele origin: germline. Not counted in ClinVar's aggregate classification.
Comment: This variant is classified as benign based on ACMG/AMP sequence variant interpretation guidelines (Richards et al. 2015 PMID: 25741868, with internal and published modifications).